The following is an entry in ClinVar:

NM_002485.5(NBN):c.1990A>T (p.Ile664Phe)

Gene: NBN (nibrin; minus strand). Cytogenetic location: 8q21.3.
Variant type: single nucleotide variant.
Coding change: c.1990A>T on transcript NM_002485.5 (MANE Select); coding-DNA position 1990, A replaced by T.
Protein change: p.Ile664Phe; replaces isoleucine 664 with phenylalanine.
Molecular consequence: missense variant.
Genome position (GRCh38, 1-based): chr8:89,946,220, T>A on the plus strand (A>T on the coding strand, the complement: NBN is on the minus strand). VCF-style: chr8-89946220-T-A. GRCh37 (hg19) VCF-style: chr8-90958448-T-A.
Other names: c.1744A>T, p.Ile582Phe (NM_001024688.3); short protein forms I582F, I664F.
Identifiers: ClinVar variation 1498788 (VCV001498788.8), dbSNP rs2129647841, ClinGen allele CA371676488.

ClinVar aggregate classification (germline): Uncertain significance (1 of 4 stars; one submission).

Conditions:
Microcephaly, normal intelligence and immunodeficiency (NBS). Also called: BERLIN BREAKAGE SYNDROME; SEEMANOVA SYNDROME II; Immunodeficiency, microcephaly with normal intelligence; Ataxia telangiectasia variant V1; Nijmegen breakage syndrome; IMMUNODEFICIENCY, MICROCEPHALY, AND CHROMOSOMAL INSTABILITY. Identifiers: Orphanet 647, MedGen C0398791, MONDO:0009623, OMIM 251260.

Submission:

Labcorp Genetics (formerly Invitae), Labcorp
Classification: Uncertain significance for Microcephaly, normal intelligence and immunodeficiency. Last evaluated: 2020-11-12. Review status: criteria provided, single submitter. Criteria: Invitae Variant Classification Sherloc (09022015). Collection method: clinical testing. Allele origin: germline.
Comment: This sequence change replaces isoleucine with phenylalanine at codon 664 of the NBN protein (p.Ile664Phe). The isoleucine residue is weakly conserved and there is a small physicochemical difference between isoleucine and phenylalanine. This variant is not present in population databases (ExAC no frequency). This variant has not been reported in the literature in individuals with NBN-related conditions. Algorithms developed to predict the effect of missense changes on protein structure and function are either unavailable or do not agree on the potential impact of this missense change (SIFT: "Deleterious"; PolyPhen-2: "Benign"; Align-GVGD: "Class C0"). In summary, the available evidence is currently insufficient to determine the role of this variant in disease. Therefore, it has been classified as a Variant of Uncertain Significance.